The following is an entry in ClinVar:

ClinVar aggregate classification (germline): Conflicting classifications of pathogenicity. Review status: criteria provided, conflicting classifications (1 of 4 stars). 2 submissions from 2 submitters: Likely pathogenic (1); Uncertain significance (1). Last evaluated 2025-09-10.

Conditions:
Epilepsy, idiopathic generalized, susceptibility to, 12 (EIG12). Identifiers: MedGen C3553859, MONDO:0013919, OMIM 614847.

Submissions (2):

Genomic Medicine Center of Excellence, King Faisal Specialist Hospital and Research Centre
Classification: Likely pathogenic for Epilepsy, idiopathic generalized, susceptibility to, 12. Last evaluated: 2025-09-10. Review status: criteria provided, single submitter. Criteria: ACMG Guidelines, 2015. Collection method: clinical testing. Allele origin: germline.

GeneDx
Classification: Uncertain significance. Last evaluated: 2025-03-07. Review status: criteria provided, single submitter. Criteria: GeneDx Variant Classification Process June 2021. Collection method: clinical testing. Allele origin: germline. Affected: yes.
Comment: Not observed at significant frequency in large population cohorts (gnomAD); In silico analysis supports that this missense variant has a deleterious effect on protein structure/function; Has not been previously published as pathogenic or benign to our knowledge

NM_006516.4(SLC2A1):c.875A>G (p.Tyr292Cys)

Gene: SLC2A1 (solute carrier family 2 member 1; minus strand). Cytogenetic location: 1p34.2.
Variant type: single nucleotide variant.
Coding change: c.875A>G on transcript NM_006516.4 (MANE Select); coding-DNA position 875, A replaced by G.
Protein change: p.Tyr292Cys; replaces tyrosine 292 with cysteine.
Molecular consequence: missense variant.
Genome position (GRCh38, 1-based): chr1:42,929,307, T>C on the plus strand (A>G on the coding strand, the complement: SLC2A1 is on the minus strand). VCF-style: chr1-42929307-T-C. GRCh37 (hg19) VCF-style: chr1-43394978-T-C.
Other names: short protein forms Y292C.
Identifiers: ClinVar variation 4083406 (VCV004083406.2).
Genomic context (GRCh38, chr1:42,929,307, plus strand): 5'-CCAATGGTGGCATACACAGGCTGCTGCACCCCCGCCTTCTCGAAGATGCTCGTGGAGTAA[T>C]AGAAGACCTGCCAGACAAGAGAAACTGTTGGGGCCTACCTGGACATTGTGGCCCTTCCCT-3'
Protein context (NP_006507.2, residues 282-302): QQLSGINAVF[Tyr292Cys]YSTSIFEKAG